The following is an entry in ClinVar:

NM_024596.5(MCPH1):c.2452+176C>G

Genes: MCPH1 (microcephalin 1; plus strand), MCPH1-AS1 (MCPH1 antisense RNA 1; minus strand). Cytogenetic location: 8p23.1.
Variant type: single nucleotide variant.
Coding change: c.2452+176C>G on transcript NM_024596.5 (MANE Select); 176 bases into the intron after coding-DNA position 2452, C replaced by G.
Molecular consequence: intron variant.
Genome position (GRCh38, 1-based): chr8:6,621,867, C>G. VCF-style: chr8-6621867-C-G. GRCh37 (hg19) VCF-style: chr8-6479388-C-G.
Other names: c.2452+176C>G (NM_001322042.2, NM_001363979.1, NM_001410917.1); c.2173+176C>G (NM_001363980.2).
Identifiers: ClinVar variation 3026595 (VCV003026595.22), dbSNP rs1239550016, ClinGen allele CA854388601.

ClinVar aggregate classification (germline): Likely benign (1 of 4 stars; one submission).

gnomAD v4.1: 1 of 152,034 alleles (0.00066%); highest among the groups gnomAD compares: African/African-American, 0.0024%; no homozygotes.

Submission:

CeGaT Center for Human Genetics Tuebingen
Classification: Likely benign. Last evaluated: 2023-12-01. Review status: criteria provided, single submitter. Criteria: CeGaT Center For Human Genetics Tuebingen Variant Classification Criteria Version 2. Collection method: clinical testing. Allele origin: germline. Affected: yes. Observed: 1 variant allele.
Comment: MCPH1: BP4, BP7